The following is an entry in ClinVar:

NM_002485.5(NBN):c.1409A>G (p.Glu470Gly)

Gene: NBN (nibrin; minus strand). Cytogenetic location: 8q21.3.
Variant type: single nucleotide variant.
Coding change: c.1409A>G on transcript NM_002485.5 (MANE Select); coding-DNA position 1409, A replaced by G.
Protein change: p.Glu470Gly; replaces glutamic acid 470 with glycine.
Molecular consequence: missense variant.
Genome position (GRCh38, 1-based): chr8:89,953,680, T>C on the plus strand (A>G on the coding strand, the complement: NBN is on the minus strand). VCF-style: chr8-89953680-T-C. GRCh37 (hg19) VCF-style: chr8-90965908-T-C.
Other names: c.1163A>G, p.Glu388Gly (NM_001024688.3); short protein forms E470G, E388G.
Identifiers: ClinVar variation 233581 (VCV000233581.20), dbSNP rs876660501, ClinGen allele CA10578764.

ClinVar aggregate classification (germline): Uncertain significance. Review status: criteria provided, multiple submitters, no conflicts (2 of 4 stars). 3 submissions from 3 submitters: Uncertain significance (3). Last evaluated 2025-05-28.

Conditions:
Hereditary cancer-predisposing syndrome. Also called: Tumor predisposition; Hereditary Cancer Syndrome; Hereditary neoplastic syndrome; Neoplastic Syndromes, Hereditary. Identifiers: Orphanet 140162, MedGen C0027672, MeSH D009386, MONDO:0015356.
Microcephaly, normal intelligence and immunodeficiency (NBS). Also called: IMMUNODEFICIENCY, MICROCEPHALY, AND CHROMOSOMAL INSTABILITY; SEEMANOVA SYNDROME II; Nijmegen breakage syndrome; Microcephaly with normal intelligence immunodeficiency and lymphoreticular malignancies; Nonsyndromal microcephaly autosomal recessive with normal intelligence; Seemanova syndrome 2. Identifiers: Orphanet 647, MedGen C0398791, MONDO:0009623, OMIM 251260.

Allele frequency attached by ClinVar (database versions not stated): gnomAD exomes below 0.00001; TOPMed below 0.00001.
gnomAD v4.1: 1 of 1,610,210 alleles (0.000062%); highest among the groups gnomAD compares: Non-Finnish European, 0.000085%; no homozygotes.

Submissions (3):

Labcorp Genetics (formerly Invitae), Labcorp
Classification: Uncertain significance for Microcephaly, normal intelligence and immunodeficiency. Last evaluated: 2025-05-28. Review status: criteria provided, single submitter. Criteria: Invitae Variant Classification Sherloc (09022015). Collection method: clinical testing. Allele origin: germline.
Comment: This sequence change replaces glutamic acid, which is acidic and polar, with glycine, which is neutral and non-polar, at codon 470 of the NBN protein (p.Glu470Gly). This variant is not present in population databases (gnomAD no frequency). This variant has not been reported in the literature in individuals affected with NBN-related conditions. ClinVar contains an entry for this variant (Variation ID: 233581). An algorithm developed to predict the effect of missense changes on protein structure and function (PolyPhen-2) suggests that this variant is likely to be tolerated. Algorithms developed to predict the effect of sequence changes on RNA splicing suggest that this variant may disrupt the consensus splice site. In summary, the available evidence is currently insufficient to determine the role of this variant in disease. Therefore, it has been classified as a Variant of Uncertain Significance.

Ambry Genetics
Classification: Uncertain significance for Hereditary cancer-predisposing syndrome. Last evaluated: 2024-02-16. Review status: criteria provided, single submitter. Criteria: Ambry Variant Classification Scheme 2023. Collection method: clinical testing. Allele origin: germline.
Comment: The p.E470G variant (also known as c.1409A>G), located in coding exon 11 of the NBN gene, results from an A to G substitution at nucleotide position 1409. The glutamic acid at codon 470 is replaced by glycine, an amino acid with similar properties. This amino acid position is highly conserved in available vertebrate species. In addition, this alteration is predicted to be tolerated by in silico analysis. Since supporting evidence is limited at this time, the clinical significance of this alteration remains unclear.

Genome-Nilou Lab
Classification: Uncertain significance for Microcephaly, normal intelligence and immunodeficiency. Last evaluated: 2021-11-07. Review status: criteria provided, single submitter. Criteria: ACMG Guidelines, 2015. Collection method: clinical testing. Allele origin: germline. Affected: no.